The following is an entry in ClinVar:

ClinVar aggregate classification (germline): Uncertain significance (1 of 4 stars; one submission).

Conditions:
Hereditary spastic paraplegia 72 (SPG72A). Also called: Spastic paraplegia 72, autosomal recessive. Identifiers: Orphanet 401849, MedGen C5882669, MONDO:0014282, OMIM 615625.

Submission:

Labcorp Genetics (formerly Invitae), Labcorp
Classification: Uncertain significance for Hereditary spastic paraplegia 72. Last evaluated: 2025-07-15. Review status: criteria provided, single submitter. Criteria: Invitae Variant Classification Sherloc (09022015). Collection method: clinical testing. Allele origin: germline.
Comment: This sequence change replaces glutamic acid, which is acidic and polar, with lysine, which is basic and polar, at codon 34 of the REEP2 protein (p.Glu34Lys). This variant is not present in population databases (gnomAD no frequency). This variant has not been reported in the literature in individuals affected with REEP2-related conditions. ClinVar contains an entry for this variant (Variation ID: 1718985). An algorithm developed to predict the effect of missense changes on protein structure and function (PolyPhen-2) suggests that this variant is likely to be disruptive. In summary, the available evidence is currently insufficient to determine the role of this variant in disease. Therefore, it has been classified as a Variant of Uncertain Significance.

NM_001271803.2(REEP2):c.100G>A (p.Glu34Lys)

Gene: REEP2 (receptor accessory protein 2; plus strand). Cytogenetic location: 5q31.2.
Variant type: single nucleotide variant.
Coding change: c.100G>A on transcript NM_001271803.2 (MANE Select); coding-DNA position 100, G replaced by A.
Protein change: p.Glu34Lys; replaces glutamic acid 34 with lysine.
Molecular consequence: missense variant. On other transcripts: non-coding transcript variant (2).
Genome position (GRCh38, 1-based): chr5:138,441,083, G>A. VCF-style: chr5-138441083-G-A. GRCh37 (hg19) VCF-style: chr5-137776772-G-A.
Other names: c.100G>A, p.Glu34Lys (NM_016606.4); short protein forms E34K.
Identifiers: ClinVar variation 1718985 (VCV001718985.6), dbSNP rs2480371772, ClinGen allele CA361101096.